The following is an entry in ClinVar:

ClinVar aggregate classification (germline): Pathogenic/Likely pathogenic. Review status: criteria provided, multiple submitters, no conflicts (2 of 4 stars). 2 submissions from 2 submitters: Pathogenic (1); Likely pathogenic (1). Last evaluated 2023-08-14.

Conditions:
Gorlin syndrome. Also called: Nevoid Basal Cell Carcinoma Syndrome; Basal cell nevus syndrome. Identifiers: Orphanet 377, MedGen C0004779, MONDO:0007187.

Submissions (2):

Labcorp Genetics (formerly Invitae), Labcorp
Classification: Pathogenic for Gorlin syndrome. Last evaluated: 2023-08-14. Review status: criteria provided, single submitter. Criteria: Invitae Variant Classification Sherloc (09022015). Collection method: clinical testing. Allele origin: germline.
Comment: This sequence change creates a premature translational stop signal (p.Val763Glyfs*10) in the PTCH1 gene. It is expected to result in an absent or disrupted protein product. Loss-of-function variants in PTCH1 are known to be pathogenic (PMID: 16301862, 16419085). This variant is not present in population databases (gnomAD no frequency). This variant has not been reported in the literature in individuals affected with PTCH1-related conditions. ClinVar contains an entry for this variant (Variation ID: 2430265). Algorithms developed to predict the effect of sequence changes on RNA splicing suggest that this variant may create or strengthen a splice site. For these reasons, this variant has been classified as Pathogenic.

Institute of Human Genetics, University of Leipzig Medical Center
Classification: Likely pathogenic for Basal cell nevus syndrome 1. Last evaluated: 2023-01-12. Review status: criteria provided, single submitter. Criteria: ACMG Guidelines, 2015. Collection method: clinical testing. Allele origin: unknown. Affected: yes.
Comment: _x000D_ Criteria applied: PVS1, PM2_SUP

Literature cited by the submitters: PubMed 16301862 (cited by Labcorp Genetics (formerly Invitae), Labcorp); PubMed 16419085 (cited by Labcorp Genetics (formerly Invitae), Labcorp).

NM_000264.5(PTCH1):c.2286_2287dup (p.Val763fs)

Genes: PTCH1 (patched 1; minus strand), LOC100507346 (uncharacterized LOC100507346; plus strand). Cytogenetic location: 9q22.32.
Variant type: Duplication.
Coding change: c.2286_2287dup on transcript NM_000264.5 (MANE Select); coding-DNA positions 2286 to 2287, 2 bases duplicated (GG; older notation c.2286_2287dupGG).
Protein change: p.Val763fs; shifts the reading frame from valine 763.
Molecular consequence: frameshift variant. On other transcripts: non-coding transcript variant (1).
Genome position (GRCh38, 1-based): chr9:95,467,389-95,467,390, CC duplicated on the plus strand (GG on the coding strand, the reverse complement: PTCH1 is on the minus strand); duplicating any 2 consecutive bases within chr9:95,467,389-95,467,393 gives the same sequence; the c. name uses the placement nearest the transcript's 3' end. VCF-style (leftmost placement, unchanged base first): chr9-95467388-A-ACC. GRCh37 (hg19) VCF-style: chr9-98229670-A-ACC.
Other names: c.2088_2089dup, p.Val697fs (NM_001083602.3); c.2283_2284dup, p.Val762fs (NM_001083603.3); c.1833_1834dup, p.Val612fs (NM_001083604.3, NM_001083605.3, NM_001083606.3 and 1 more transcripts); c.2130_2131dup, p.Val711fs (NM_001354918.2); short protein forms V612fs, V697fs, V711fs, V762fs, V763fs.
Identifiers: ClinVar variation 2430265 (VCV002430265.4), dbSNP rs1840109796, ClinGen allele CA2580080828.
Genomic context (GRCh38, chr9:95,467,388, plus strand): 5'-CGAGGTACAATGTCCGTAAGGTCCAGCCCGTCTCTCACTCGGGTGGTGCCATAAAGGCTG[A>ACC]CCCCCAGCAAGCCCAGAAAAAGGAAGATCACCACTACCTGGAACAGAAGAGGCACAAGGT-3'